The following is an entry in ClinVar:

ClinVar aggregate classification (germline): Conflicting classifications of pathogenicity. Review status: criteria provided, conflicting classifications (1 of 4 stars). 6 submissions from 6 submitters: Uncertain significance (1); Likely benign (5). Last evaluated 2026-01-14.

Conditions:
Ehlers-Danlos syndrome (EDS). Identifiers: Orphanet 98249, MedGen C0013720, MONDO:0020066.
Cardiovascular phenotype. Identifiers: MedGen CN230736.

Allele frequency attached by ClinVar (database versions not stated): gnomAD exomes 0.00006 and 0.00008; ExAC 0.00021; 1000 Genomes Project 30x 0.00031; gnomAD 0.00033 and 0.00037; TOPMed 0.00036; 1000 Genomes Project 0.00040; ESP Exome Variant Server 0.00044.
gnomAD v4.1: 181 of 1,550,332 alleles (0.012%); highest among the groups gnomAD compares: African/African-American, 0.14%; no homozygotes.

Submissions (6):

Labcorp Genetics (formerly Invitae), Labcorp
Classification: Likely benign. Last evaluated: 2026-01-14. Review status: criteria provided, single submitter. Criteria: Invitae Variant Classification Sherloc (09022015). Collection method: clinical testing. Allele origin: germline.

Blueprint Genetics
Classification: Likely benign. Last evaluated: 2024-11-07. Review status: criteria provided, single submitter. Criteria: ACMG Guidelines, 2015. Collection method: clinical testing. Allele origin: germline.

CeGaT Center for Human Genetics Tuebingen
Classification: Likely benign. Last evaluated: 2024-04-01. Review status: criteria provided, single submitter. Criteria: CeGaT Center For Human Genetics Tuebingen Variant Classification Criteria Version 2. Collection method: clinical testing. Allele origin: germline. Affected: yes. Observed: 2 variant alleles.
Comment: ZNF469: BP4, BP7

Genome Diagnostics Laboratory, The Hospital for Sick Children
Classification: Uncertain significance for Ehlers-Danlos syndrome. Last evaluated: 2022-06-10. Review status: criteria provided, single submitter. Criteria: ACMG Guidelines, 2015. Collection method: clinical testing. Allele origin: germline.

GeneDx
Classification: Likely benign. Last evaluated: 2021-02-19. Review status: criteria provided, single submitter. Criteria: GeneDx Variant Classification Process June 2021. Collection method: clinical testing. Allele origin: germline. Affected: yes.

Ambry Genetics
Classification: Likely benign for Cardiovascular phenotype. Last evaluated: 2021-01-07. Review status: criteria provided, single submitter. Criteria: Ambry Variant Classification Scheme 2023. Collection method: clinical testing. Allele origin: germline.

NM_001367624.2(ZNF469):c.6696C>T (p.Ser2232=)

Gene: ZNF469 (zinc finger protein 469; plus strand). Cytogenetic location: 16q24.2.
Variant type: single nucleotide variant.
Coding change: c.6696C>T on transcript NM_001367624.2 (MANE Select); coding-DNA position 6696, C replaced by T.
Protein change: p.Ser2232=; no amino-acid change (serine 2232 retained).
Molecular consequence: synonymous variant.
Genome position (GRCh38, 1-based): chr16:88,434,166, C>T. VCF-style: chr16-88434166-C-T. GRCh37 (hg19) VCF-style: chr16-88500574-C-T.
Other names: NM_001127464.1:c.6612C>T; NM_001127464.2:c.6612C>T.
Identifiers: ClinVar variation 1190986 (VCV001190986.40), dbSNP rs377506846, ClinGen allele CA8225172.